The following is an entry in ClinVar:

NM_001458.5(FLNC):c.3464C>T (p.Pro1155Leu)

Gene: FLNC (filamin C; plus strand). Cytogenetic location: 7q32.1.
Variant type: single nucleotide variant.
Coding change: c.3464C>T on transcript NM_001458.5 (MANE Select); coding-DNA position 3464, C replaced by T.
Protein change: p.Pro1155Leu; replaces proline 1155 with leucine.
Molecular consequence: missense variant.
Genome position (GRCh38, 1-based): chr7:128,844,929, C>T. VCF-style: chr7-128844929-C-T. GRCh37 (hg19) VCF-style: chr7-128484983-C-T.
Other names: c.3464C>T, p.Pro1155Leu (NM_001127487.2); short protein forms P1155L.
Identifiers: ClinVar variation 636800 (VCV000636800.13), dbSNP rs769243979, ClinGen allele CA4475047.

ClinVar aggregate classification (germline): Conflicting classifications of pathogenicity. Review status: criteria provided, conflicting classifications (1 of 4 stars). 6 submissions from 6 submitters: Uncertain significance (4); Likely benign (2). Last evaluated 2025-12-24.

Conditions:
Myofibrillar myopathy 5. Also called: Filaminopathy (type); FILAMINOPATHY, AUTOSOMAL DOMINANT. Identifiers: Orphanet 171445, MedGen C1836050, MONDO:0012289, OMIM 609524.
Hypertrophic cardiomyopathy 26. Also called: Cardiomyopathy, familial hypertrophic, 26. Identifiers: Orphanet 75249, MedGen C4310749, MONDO:0014883, OMIM 617047.
Distal myopathy with posterior leg and anterior hand involvement. Also called: WILLIAMS DISTAL MYOPATHY. Identifiers: Orphanet 63273, MedGen C3279722, MONDO:0013550, OMIM 614065.
FLNC-related disorder. Also called: FLNC-related disorders; FLNC-related condition.
Cardiovascular phenotype. Identifiers: MedGen CN230736.

Allele frequency attached by ClinVar (database versions not stated): gnomAD exomes 0.00001 and 0.00002; TOPMed 0.00002; ExAC 0.00003; gnomAD 0.00003.
gnomAD v4.1: 17 of 1,613,770 alleles (0.0011%); highest among the groups gnomAD compares: African/African-American, 0.004%; no homozygotes.

Submissions (6):

Labcorp Genetics (formerly Invitae), Labcorp
Classification: Likely benign for Distal myopathy with posterior leg and anterior hand involvement; Myofibrillar myopathy 5; Hypertrophic cardiomyopathy 26. Last evaluated: 2025-12-24. Review status: criteria provided, single submitter. Criteria: Invitae Variant Classification Sherloc (09022015). Collection method: clinical testing. Allele origin: germline.

Ambry Genetics
Classification: Uncertain significance for Cardiovascular phenotype. Last evaluated: 2025-09-16. Review status: criteria provided, single submitter. Criteria: Ambry Variant Classification Scheme 2023. Collection method: clinical testing. Allele origin: germline.
Comment: The p.P1155L variant (also known as c.3464C>T), located in coding exon 21 of the FLNC gene, results from a C to T substitution at nucleotide position 3464. The proline at codon 1155 is replaced by leucine, an amino acid with similar properties. This amino acid position is highly conserved in available vertebrate species. In addition, the in silico prediction for this alteration is inconclusive. Based on the available evidence, the clinical significance of this variant remains unclear.

Blueprint Genetics
Classification: Likely benign. Last evaluated: 2024-09-05. Review status: criteria provided, single submitter. Criteria: ACMG Guidelines, 2015. Collection method: clinical testing. Allele origin: germline.

PreventionGenetics, part of Exact Sciences
Classification: Uncertain significance for FLNC-related condition. Last evaluated: 2023-02-21. Review status: criteria provided, single submitter. Criteria: ACMG Guidelines, 2015. Collection method: clinical testing. Allele origin: germline.
Comment: The FLNC c.3464C>T variant is predicted to result in the amino acid substitution p.Pro1155Leu. To our knowledge, this variant has not been reported in the literature. This variant is reported in 0.0065% of alleles in individuals of African descent in gnomAD. At this time, the clinical significance of this variant is uncertain due to the absence of conclusive functional and genetic evidence.

GeneDx
Classification: Uncertain significance. Last evaluated: 2022-09-21. Review status: criteria provided, single submitter. Criteria: GeneDx Variant Classification Process June 2021. Collection method: clinical testing. Allele origin: germline. Affected: yes.
Comment: In silico analysis supports that this missense variant has a deleterious effect on protein structure/function; This variant is associated with the following publications: (PMID: 25794154)

Revvity Omics, Revvity
Classification: Uncertain significance. Last evaluated: 2019-07-10. Review status: criteria provided, single submitter. Criteria: ACMG Guidelines, 2015. Collection method: clinical testing. Allele origin: germline.